The following is an entry in ClinVar:

ClinVar aggregate classification (germline): Uncertain significance. Review status: criteria provided, multiple submitters, no conflicts (2 of 4 stars). 2 submissions from 2 submitters: Uncertain significance (2). Last evaluated 2025-09-24.

Conditions:
Primary ciliary dyskinesia. Also called: Ciliary dyskinesia. Identifiers: Orphanet 244, MedGen C0008780, MONDO:0016575, HP:0012265.

Allele frequency attached by ClinVar (database versions not stated): gnomAD exomes below 0.00001; TOPMed 0.00001.
gnomAD v4.1: 1 of 1,614,156 alleles (0.000062%); highest among the groups gnomAD compares: Admixed American, 0.0017%; no homozygotes.

Submissions (2):

Ambry Genetics
Classification: Uncertain significance for Primary ciliary dyskinesia. Last evaluated: 2025-09-24. Review status: criteria provided, single submitter. Criteria: Ambry Variant Classification Scheme 2023. Collection method: clinical testing. Allele origin: germline.
Comment: The p.L4411V variant (also known as c.13231C>G), located in coding exon 76 of the DNAH5 gene, results from a C to G substitution at nucleotide position 13231. The leucine at codon 4411 is replaced by valine, an amino acid with highly similar properties. This amino acid position is conserved. In addition, this alteration is predicted to be tolerated by in silico analysis. Based on the available evidence, the clinical significance of this variant remains unclear.

Labcorp Genetics (formerly Invitae), Labcorp
Classification: Uncertain significance for Primary ciliary dyskinesia. Last evaluated: 2021-08-30. Review status: criteria provided, single submitter. Criteria: Invitae Variant Classification Sherloc (09022015). Collection method: clinical testing. Allele origin: germline.
Comment: This sequence change replaces leucine with valine at codon 4411 of the DNAH5 protein (p.Leu4411Val). The leucine residue is highly conserved and there is a small physicochemical difference between leucine and valine. This variant is not present in population databases (ExAC no frequency). This variant has not been reported in the literature in individuals affected with DNAH5-related conditions. Algorithms developed to predict the effect of missense changes on protein structure and function are either unavailable or do not agree on the potential impact of this missense change (SIFT: "Deleterious"; PolyPhen-2: "Possibly Damaging"; Align-GVGD: "Class C0"). In summary, the available evidence is currently insufficient to determine the role of this variant in disease. Therefore, it has been classified as a Variant of Uncertain Significance.

NM_001369.3(DNAH5):c.13231C>G (p.Leu4411Val)

Gene: DNAH5 (dynein axonemal heavy chain 5; minus strand). Cytogenetic location: 5p15.2.
Variant type: single nucleotide variant.
Coding change: c.13231C>G on transcript NM_001369.3 (MANE Select); coding-DNA position 13231, C replaced by G.
Protein change: p.Leu4411Val; replaces leucine 4411 with valine.
Molecular consequence: missense variant.
Genome position (GRCh38, 1-based): chr5:13,708,230, G>C on the plus strand (C>G on the coding strand, the complement: DNAH5 is on the minus strand). VCF-style: chr5-13708230-G-C. GRCh37 (hg19) VCF-style: chr5-13708339-G-C.
Other names: c.13231C>G (NM_001369.2); short protein forms L4411V.
Identifiers: ClinVar variation 1016901 (VCV001016901.6), dbSNP rs941923241, ClinGen allele CA359197135.